The following is an entry in ClinVar:

NM_007348.4(ATF6):c.859T>C (p.Ser287Pro)

Gene: ATF6 (activating transcription factor 6; plus strand). Cytogenetic location: 1q23.3.
Variant type: single nucleotide variant.
Coding change: c.859T>C on transcript NM_007348.4 (MANE Select); coding-DNA position 859, T replaced by C.
Protein change: p.Ser287Pro; replaces serine 287 with proline.
Molecular consequence: missense variant.
Genome position (GRCh38, 1-based): chr1:161,802,222, T>C. VCF-style: chr1-161802222-T-C. GRCh37 (hg19) VCF-style: chr1-161772012-T-C.
Other names: short protein forms S287P.
Identifiers: ClinVar variation 1011025 (VCV001011025.4), dbSNP rs200145443, ClinGen allele CA1214300.

ClinVar aggregate classification (germline): Uncertain significance (1 of 4 stars; one submission).

Allele frequency attached by ClinVar (database versions not stated): ExAC 0.00001; gnomAD exomes below 0.00001; TOPMed 0.00002; gnomAD 0.00001.
gnomAD v4.1: 8 of 1,613,928 alleles (0.0005%); highest among the groups gnomAD compares: South Asian, 0.0011%; no homozygotes.

Submission:

Labcorp Genetics (formerly Invitae), Labcorp
Classification: Uncertain significance. Last evaluated: 2024-10-26. Review status: criteria provided, single submitter. Criteria: Invitae Variant Classification Sherloc (09022015). Collection method: clinical testing. Allele origin: germline.
Comment: This sequence change replaces serine, which is neutral and polar, with proline, which is neutral and non-polar, at codon 287 of the ATF6 protein (p.Ser287Pro). This variant is present in population databases (rs200145443, gnomAD 0.0009%). This variant has not been reported in the literature in individuals affected with ATF6-related conditions. ClinVar contains an entry for this variant (Variation ID: 1011025). Invitae Evidence Modeling of protein sequence and biophysical properties (such as structural, functional, and spatial information, amino acid conservation, physicochemical variation, residue mobility, and thermodynamic stability) indicates that this missense variant is not expected to disrupt ATF6 protein function with a negative predictive value of 80%. In summary, the available evidence is currently insufficient to determine the role of this variant in disease. Therefore, it has been classified as a Variant of Uncertain Significance.